The following is an entry in ClinVar:

ClinVar aggregate classification (germline): Uncertain significance (1 of 4 stars; one submission).

Submission:

Labcorp Genetics (formerly Invitae), Labcorp
Classification: Uncertain significance. Last evaluated: 2024-03-02. Review status: criteria provided, single submitter. Criteria: Invitae Variant Classification Sherloc (09022015). Collection method: clinical testing. Allele origin: germline.
Comment: This sequence change replaces threonine, which is neutral and polar, with isoleucine, which is neutral and non-polar, at codon 522 of the LRP6 protein (p.Thr522Ile). This variant is not present in population databases (gnomAD no frequency). This variant has not been reported in the literature in individuals affected with LRP6-related conditions. Advanced modeling of protein sequence and biophysical properties (such as structural, functional, and spatial information, amino acid conservation, physicochemical variation, residue mobility, and thermodynamic stability) performed at Invitae indicates that this missense variant is not expected to disrupt LRP6 protein function with a negative predictive value of 80%. In summary, the available evidence is currently insufficient to determine the role of this variant in disease. Therefore, it has been classified as a Variant of Uncertain Significance.

NM_002336.3(LRP6):c.1565C>T (p.Thr522Ile)

Gene: LRP6 (LDL receptor related protein 6; minus strand). Cytogenetic location: 12p13.2.
Variant type: single nucleotide variant.
Coding change: c.1565C>T on transcript NM_002336.3 (MANE Select); coding-DNA position 1565, C replaced by T.
Protein change: p.Thr522Ile; replaces threonine 522 with isoleucine.
Molecular consequence: missense variant. On other transcripts: non-coding transcript variant (1), intron variant (1).
Genome position (GRCh38, 1-based): chr12:12,165,276, G>A on the plus strand (C>T on the coding strand, the complement: LRP6 is on the minus strand). VCF-style: chr12-12165276-G-A. GRCh37 (hg19) VCF-style: chr12-12318210-G-A.
Other names: c.1565C>T, p.Thr522Ile (NM_001414244.1, NM_001414245.1, NM_001414246.1 and 4 more transcripts); c.1367C>T, p.Thr456Ile (NM_001414247.1); c.1112C>T, p.Thr371Ile (NM_001414252.1, NM_001414253.1, NM_001414254.1); c.1546-2857C>T (NM_001414255.1); short protein forms T456I, T371I, T522I.
Identifiers: ClinVar variation 3699947 (VCV003699947.2).
Genomic context (GRCh38, chr12:12,165,276, plus strand): 5'-CCCAACAAAGTAAATCCAAATATGTGAGGAATTTTGTCTTCCACTAGTACTCGTCTCCCA[G>A]TGCCATCAGTATTCATAACCTTCAGGTTTAAATTCAAAAGAGAAGGGGATGAATTATGCA-3'
Protein context (NP_002327.2, residues 512-532): DKIEVMNTDG[Thr522Ile]GRRVLVEDKI